The following is an entry in ClinVar:

ClinVar aggregate classification (germline): Uncertain significance. Review status: criteria provided, multiple submitters, no conflicts (2 of 4 stars). 2 submissions from 2 submitters: Uncertain significance (2). Last evaluated 2025-03-06.

Conditions:
Hereditary cancer-predisposing syndrome. Also called: Tumor predisposition; Hereditary neoplastic syndrome; Hereditary Cancer Syndrome; Neoplastic Syndromes, Hereditary. Identifiers: Orphanet 140162, MedGen C0027672, MeSH D009386, MONDO:0015356.

Submissions (2):

Color Diagnostics, LLC DBA Color Health
Classification: Uncertain significance for Hereditary cancer-predisposing syndrome. Last evaluated: 2025-03-06. Review status: criteria provided, single submitter. Criteria: ACMG Guidelines, 2015. Collection method: clinical testing. Allele origin: germline.
Comment: This missense variant replaces proline with serine at codon 217 of the STK11 protein. Computational prediction suggests that this variant may have deleterious impact on protein structure and function. To our knowledge, functional studies have not been reported for this variant. This variant has not been reported in individuals affected with STK11-related disorders in the literature. This variant has not been identified in the general population by the Genome Aggregation Database (gnomAD). The available evidence is insufficient to determine the role of this variant in disease conclusively. Therefore, this variant is classified as a Variant of Uncertain Significance.

Ambry Genetics
Classification: Uncertain significance for Hereditary cancer-predisposing syndrome. Last evaluated: 2025-02-26. Review status: criteria provided, single submitter. Criteria: Ambry Variant Classification Scheme 2023. Collection method: clinical testing. Allele origin: germline.
Comment: The p.P217S variant (also known as c.649C>T), located in coding exon 5 of the STK11 gene, results from a C to T substitution at nucleotide position 649. The proline at codon 217 is replaced by serine, an amino acid with similar properties. This amino acid position is conserved. In addition, this alteration is predicted to be deleterious by in silico analysis. Based on the available evidence, the clinical significance of this variant remains unclear.

NM_000455.5(STK11):c.649C>T (p.Pro217Ser)

Gene: STK11 (serine/threonine kinase 11; plus strand). Cytogenetic location: 19p13.3.
Variant type: single nucleotide variant.
Coding change: c.649C>T on transcript NM_000455.5 (MANE Select); coding-DNA position 649, C replaced by T.
Protein change: p.Pro217Ser; replaces proline 217 with serine.
Molecular consequence: missense variant.
Genome position (GRCh38, 1-based): chr19:1,220,632, C>T. VCF-style: chr19-1220632-C-T. GRCh37 (hg19) VCF-style: chr19-1220631-C-T.
Other names: short protein forms P217S.
Identifiers: ClinVar variation 1171826 (VCV001171826.4), dbSNP rs2145425203, ClinGen allele CA402949614.